The following is an entry in ClinVar:

ClinVar aggregate classification (germline): Uncertain significance (1 of 4 stars; one submission).

Conditions:
Mucopolysaccharidosis type 7 (MPS7). Also called: GUSB DEFICIENCY; SLY SYNDROME; MPS VII; BETA-GLUCURONIDASE DEFICIENCY. Identifiers: Orphanet 584, MedGen C0085132, MONDO:0009662, OMIM 253220.

gnomAD v4.1: 3 of 1,613,608 alleles (0.00019%); highest among the groups gnomAD compares: Middle Eastern, 0.016%; no homozygotes.

Submission:

3billion
Classification: Uncertain significance for Mucopolysaccharidosis type 7. Last evaluated: 2024-09-28. Review status: criteria provided, single submitter. Criteria: ACMG Guidelines, 2015. Collection method: clinical testing. Allele origin: germline. Affected: yes.
Comment: The variant is observed at an extremely low frequency in the gnomAD v4.1.0 dataset (total allele frequency: <0.001%). Predicted Consequence/Location: Missense variant In silico tool predictions suggest damaging effect of the variant on gene or gene product [REVEL: 0.80 (>=0.6, sensitivity 0.68 and specificity 0.92)]. Therefore, this variant is classified as VUS according to the recommendation of ACMG/AMP guideline.

NM_000181.4(GUSB):c.523A>G (p.Thr175Ala)

Gene: GUSB (glucuronidase beta; minus strand). Cytogenetic location: 7q11.21.
Variant type: single nucleotide variant.
Coding change: c.523A>G on transcript NM_000181.4 (MANE Select); coding-DNA position 523, A replaced by G.
Protein change: p.Thr175Ala; replaces threonine 175 with alanine.
Molecular consequence: missense variant. On other transcripts: non-coding transcript variant (1), intron variant (3).
Genome position (GRCh38, 1-based): chr7:65,979,785, T>C on the plus strand (A>G on the coding strand, the complement: GUSB is on the minus strand). VCF-style: chr7-65979785-T-C. GRCh37 (hg19) VCF-style: chr7-65444772-T-C.
Other names: c.67+439A>G (NM_001293105.2); c.12-244A>G (NM_001293104.2); c.474+49A>G (NM_001284290.2); short protein forms T175A.
Identifiers: ClinVar variation 4292526 (VCV004292526.1).
Genomic context (GRCh38, chr7:65,979,785, plus strand): 5'-ACTTGGAGGTGTCAGTCAGGTATTGGATGGTCCCTGGTGGCAGGGTGGTGGGGGTGAGTG[T>C]GTTGTTGATGGCGATAGTGATTCGGAGCCGGGAGGGCAGGGGCCCCACCTGGACCAGGTT-3'
Protein context (NP_000172.2, residues 165-185): RLRITIAINN[Thr175Ala]LTPTTLPPGT